The following is an entry in ClinVar:

ClinVar aggregate classification (germline): Uncertain significance (1 of 4 stars; one submission).

Allele frequency attached by ClinVar (database versions not stated): gnomAD exomes below 0.00001; TOPMed 0.00001.
gnomAD v4.1: 3 of 1,592,614 alleles (0.00019%); highest among the groups gnomAD compares: Non-Finnish European, 0.00017%; no homozygotes.

Submission:

Labcorp Genetics (formerly Invitae), Labcorp
Classification: Uncertain significance. Last evaluated: 2024-03-28. Review status: criteria provided, single submitter. Criteria: Invitae Variant Classification Sherloc (09022015). Collection method: clinical testing. Allele origin: germline.
Comment: This sequence change replaces isoleucine, which is neutral and non-polar, with threonine, which is neutral and polar, at codon 253 of the DNA2 protein (p.Ile253Thr). This variant is not present in population databases (gnomAD no frequency). This variant has not been reported in the literature in individuals affected with DNA2-related conditions. ClinVar contains an entry for this variant (Variation ID: 1930877). Advanced modeling of protein sequence and biophysical properties (such as structural, functional, and spatial information, amino acid conservation, physicochemical variation, residue mobility, and thermodynamic stability) performed at Invitae indicates that this missense variant is not expected to disrupt DNA2 protein function with a negative predictive value of 80%. In summary, the available evidence is currently insufficient to determine the role of this variant in disease. Therefore, it has been classified as a Variant of Uncertain Significance.

NM_001080449.3(DNA2):c.758T>C (p.Ile253Thr)

Gene: DNA2 (DNA replication helicase/nuclease 2; minus strand). Cytogenetic location: 10q21.3.
Variant type: single nucleotide variant.
Coding change: c.758T>C on transcript NM_001080449.3 (MANE Select); coding-DNA position 758, T replaced by C.
Protein change: p.Ile253Thr; replaces isoleucine 253 with threonine.
Molecular consequence: missense variant. On other transcripts: non-coding transcript variant (1).
Genome position (GRCh38, 1-based): chr10:68,450,209, A>G on the plus strand (T>C on the coding strand, the complement: DNA2 is on the minus strand). VCF-style: chr10-68450209-A-G. GRCh37 (hg19) VCF-style: chr10-70209966-A-G.
Other names: short protein forms I253T.
Identifiers: ClinVar variation 1930877 (VCV001930877.5), dbSNP rs1228380036, ClinGen allele CA376864318.